The following is an entry in ClinVar:

NM_000191.3(HMGCL):c.621del (p.Val208fs)

Gene: HMGCL (3-hydroxy-3-methylglutaryl-CoA lyase; minus strand). Cytogenetic location: 1p36.11.
Variant type: Deletion.
Coding change: c.621del on transcript NM_000191.3 (MANE Select); coding-DNA position 621, one base deleted (T; older notation c.621delT).
Protein change: p.Val208fs; shifts the reading frame from valine 208.
Molecular consequence: frameshift variant.
Genome position (GRCh38, 1-based): chr1:23,808,264, A deleted on the plus strand (T on the coding strand, the reverse complement: HMGCL is on the minus strand). VCF-style (leftmost placement, unchanged base first): chr1-23808263-CA-C. GRCh37 (hg19) VCF-style: chr1-24134753-CA-C.
Other names: c.408del, p.Val137fs (NM_001166059.2); short protein forms V137fs, V208fs.
Identifiers: ClinVar variation 1323058 (VCV001323058.6), dbSNP rs2148419158, ClinGen allele CA2550505816.

ClinVar aggregate classification (germline): Pathogenic/Likely pathogenic. Review status: criteria provided, multiple submitters, no conflicts (2 of 4 stars). 2 submissions from 2 submitters: Pathogenic (1); Likely pathogenic (1). Last evaluated 2025-04-25.

Conditions:
Long chain 3-hydroxyacyl-CoA dehydrogenase deficiency. Also called: Deficiency of long-chain 3-hydroxyacyl-coenzyme A dehydrogenase; LCHAD Deficiency. Identifiers: Orphanet 5, MedGen C3711645, MONDO:0012173, OMIM 609016.
Deficiency of hydroxymethylglutaryl-CoA lyase (HMGCLD). Also called: HMGCL DEFICIENCY; HYDROXYMETHYLGLUTARIC ACIDURIA; Defect in leucine metabolism; 3-hydroxy-3-methylglutaric aciduria; HMG-CoA LYASE DEFICIENCY. Identifiers: Orphanet 20, MedGen C1533587, MONDO:0009520, OMIM 246450.

Submissions (2):

Natera, Inc.
Classification: Likely pathogenic for Deficiency of long-chain 3-hydroxyacyl-coenzyme A dehydrogenase. Last evaluated: 2025-04-25. Review status: criteria provided, single submitter. Criteria: Natera Variant Classification Schema (03/2026). Collection method: clinical testing. Allele origin: germline.
Comment: The c.621del variant in HMGCL is a frameshift variant predicted to shift the reading frame beginning at codon 208 and leads to a stop codon 7 codons downstream. This variant is expected to result in nonsense mediated decay, truncation, or a dysfunctional protein product. This variant is rare in the general population with a frequency below the threshold expected for the associated phenotype(s). Given the available evidence, this variant is classified as Likely Pathogenic.

Revvity Omics, Revvity
Classification: Pathogenic for Deficiency of hydroxymethylglutaryl-CoA lyase. Last evaluated: 2019-11-24. Review status: criteria provided, single submitter. Criteria: ACMG Guidelines, 2015. Collection method: clinical testing. Allele origin: germline.